The following is an entry in ClinVar:

NM_002890.3(RASA1):c.2333dup (p.Ser779fs)

Genes: CCNH (cyclin H; minus strand), RASA1 (RAS p21 protein activator 1; plus strand). Cytogenetic location: 5q14.3.
Variant type: Duplication.
Coding change: c.2333dup on transcript NM_002890.3 (MANE Select); coding-DNA position 2333, one base duplicated (T; older notation c.2333dupT).
Protein change: p.Ser779fs; shifts the reading frame from serine 779.
Molecular consequence: frameshift variant. On other transcripts: intron variant (1).
Genome position (GRCh38, 1-based): chr5:87,377,029, T duplicated. VCF-style (leftmost placement, unchanged base first): chr5-87377028-A-AT. GRCh37 (hg19) VCF-style: chr5-86672845-A-AT.
Other names: c.2333dupT (NM_002890.2); c.1802dup, p.Ser602fs (NM_022650.3); c.933+18015dup (NM_001364075.2); short protein forms S779fs, S602fs.
Identifiers: ClinVar variation 565616 (VCV000565616.8), dbSNP rs1347210621, ClinGen allele CA561259362.

ClinVar aggregate classification (germline): Pathogenic (1 of 4 stars; one submission).

Conditions:
Capillary malformation-arteriovenous malformation syndrome. Also called: Capillary malformation-arteriovenous malformation. Identifiers: Orphanet 137667, MedGen C1842180, MONDO:0012016.

Allele frequency attached by ClinVar (database versions not stated): gnomAD 0.00001.

Submission:

Labcorp Genetics (formerly Invitae), Labcorp
Classification: Pathogenic for Capillary malformation-arteriovenous malformation syndrome. Last evaluated: 2024-03-16. Review status: criteria provided, single submitter. Criteria: Invitae Variant Classification Sherloc (09022015). Collection method: clinical testing. Allele origin: germline.
Comment: This sequence change creates a premature translational stop signal (p.Ser779Lysfs*5) in the RASA1 gene. It is expected to result in an absent or disrupted protein product. Loss-of-function variants in RASA1 are known to be pathogenic (PMID: 24038909). This variant is present in population databases (no rsID available, gnomAD 0.01%). This variant has not been reported in the literature in individuals affected with RASA1-related conditions. ClinVar contains an entry for this variant (Variation ID: 565616). For these reasons, this variant has been classified as Pathogenic.

Literature cited by the submitters: PubMed 24038909.